The following is an entry in ClinVar:

ClinVar aggregate classification (germline): Likely pathogenic. Review status: criteria provided, multiple submitters, no conflicts (2 of 4 stars). 5 submissions from 5 submitters: Likely pathogenic (5). Last evaluated 2025-12-22.

Conditions:
Niemann-Pick disease, type A. Also called: SPHINGOMYELIN LIPIDOSIS; SPHINGOMYELINASE DEFICIENCY; Infantile Neurovisceral ASMD (Niemann-Pick Disease Type A; NPD-A). Identifiers: Orphanet 77292, MedGen C0268242, MONDO:0009756, OMIM 257200. Disease mechanism: loss of function.
Sphingomyelin/cholesterol lipidosis. Also called: Niemann-Pick disease. Identifiers: MedGen C0028064, MONDO:0001982.
Niemann-Pick disease, type B. Also called: Chronic Visceral ASMD (Niemann-Pick Disease Type B; NPD-B). Identifiers: Orphanet 77293, MedGen C0268243, MONDO:0011871, OMIM 607616. Disease mechanism: loss of function.

Allele frequency attached by ClinVar (database versions not stated): ExAC 0.00002; gnomAD 0.00001; gnomAD exomes 0.00001.

Submissions (5):

Labcorp Genetics (formerly Invitae), Labcorp
Classification: Likely pathogenic for Niemann-Pick disease, type B; Niemann-Pick disease, type A. Last evaluated: 2025-12-22. Review status: criteria provided, single submitter. Criteria: Invitae Variant Classification Sherloc (09022015). Collection method: clinical testing. Allele origin: germline.
Comment: This sequence change replaces arginine, which is basic and polar, with cysteine, which is neutral and slightly polar, at codon 602 of the SMPD1 protein (p.Arg602Cys). This variant is present in population databases (rs763099671, gnomAD 0.003%). This missense change has been observed in individual(s) with Niemann-Pick disease (PMID: 33675270). ClinVar contains an entry for this variant (Variation ID: 878168). Invitae Evidence Modeling of protein sequence and biophysical properties (such as structural, functional, and spatial information, amino acid conservation, physicochemical variation, residue mobility, and thermodynamic stability) indicates that this missense variant is expected to disrupt SMPD1 protein function with a positive predictive value of 95%. This variant disrupts the p.Arg602 amino acid residue in SMPD1. Other variant(s) that disrupt this residue have been determined to be pathogenic (PMID: 12712061, 15241805, 16010684, 21098024, 27338287). This suggests that this residue is clinically significant, and that variants that disrupt this residue are likely to be disease-causing. In summary, the currently available evidence indicates that the variant is pathogenic, but additional data are needed to prove that conclusively. Therefore, this variant has been classified as Likely Pathogenic.

Otogenetics
Classification: Likely pathogenic for Niemann-Pick disease, type A; Niemann-Pick disease, type B. Last evaluated: 2025-09-02. Review status: criteria provided, single submitter. Criteria: ACMG Guidelines, 2015. Collection method: clinical testing. Allele origin: germline.
Comment: PM2: Maximum gnomAD MAF of 0.0017% in American (AMR) subpopulation (<0.236% threshold); PM5: Pathogenic missense amino acid change occurs in same position: c.1805G>A (p.Arg602His) (PMID: 27338287, 33675270); PP2: Missense variant in a gene with a low rate of benign missense mutations, with missense mutation as a common mechanism of disease (PMID: 2649910, 27338287); PP3: In-silico models predict deleterious effect (Revel = 0.75, BayesDel = 0.2)

Women's Health and Genetics/Laboratory Corporation of America, LabCorp
Classification: Likely pathogenic for Sphingomyelin/cholesterol lipidosis. Last evaluated: 2025-02-14. Review status: criteria provided, single submitter. Criteria: LabCorp Variant Classification Summary - May 2015. Collection method: clinical testing. Allele origin: germline.
Comment: Variant summary: SMPD1 c.1804C>T (p.Arg602Cys) results in a non-conservative amino acid change in the encoded protein sequence. Four of four in-silico tools predict a damaging effect of the variant on protein function. The variant allele was found at a frequency of 1.2e-05 in 249578 control chromosomes. c.1804C>T has been reported in the presumed compound heterozygous state in the literature in at least 1 individual affected with Niemann-Pick Disease (example, Hu_2021). At least 2 different variants affecting the same codon are pathogenic (p.Arg602Pro, p.Arg602His), supporting the critical relevance of codon 602 to SMPD1 protein function (PMID: 21098024, 16010684, 12369017, 15241805, ClinVar). To our knowledge, no experimental evidence demonstrating an impact on protein function has been reported. The following publication has been ascertained in the context of this evaluation (PMID: 33675270). ClinVar contains an entry for this variant (Variation ID: 878168). Based on the evidence outlined above, the variant was classified as likely pathogenic.

Natera, Inc.
Classification: Likely pathogenic for Niemann-Pick Disease, Types A/B. Last evaluated: 2024-11-11. Review status: criteria provided, single submitter. Criteria: Natera Variant Classification Schema (03/2026). Collection method: clinical testing. Allele origin: germline.
Comment: The c.1804C>T variant in SMPD1 is a missense variant predicted to cause substitution of arginine to cysteine at amino acid 602. This variant is rare in the general population with a frequency below the threshold expected for the associated phenotype(s). This variant has been observed in one or more individuals affected with the associated recessive disease, as either homozygous or compound heterozygous with a second variant (PMID: 33675270). A different variant at the same position has been determined to be Pathogenic or Likely Pathogenic. Computational prediction algorithms indicate this variant is likely to affect gene or protein function. Given the available evidence, this variant is classified as Likely Pathogenic.

Huiwen Zhang's lab, Shanghai Jiao Tong University School of Medicine, Xinhua Hospital
Classification: Likely pathogenic for Niemann-Pick disease, type A; Niemann-Pick disease, type B. Last evaluated: 2020-12-30. Review status: criteria provided, single submitter. Criteria: ACMG Guidelines, 2015. Collection method: clinical testing. Allele origin: inherited. Affected: yes.

Literature cited by the submitters: PubMed 33675270 (cited by 4 submitters); PubMed 12712061 (cited by Labcorp Genetics (formerly Invitae), Labcorp); PubMed 15241805 (cited by Labcorp Genetics (formerly Invitae), Labcorp); PubMed 16010684 (cited by Labcorp Genetics (formerly Invitae), Labcorp); PubMed 21098024 (cited by Labcorp Genetics (formerly Invitae), Labcorp); PubMed 27338287 (cited by Labcorp Genetics (formerly Invitae), Labcorp and Otogenetics); PubMed 2649910 (cited by Otogenetics).

NM_000543.5(SMPD1):c.1804C>T (p.Arg602Cys)

Gene: SMPD1 (sphingomyelin phosphodiesterase 1; plus strand). Cytogenetic location: 11p15.4.
Variant type: single nucleotide variant.
Coding change: c.1804C>T on transcript NM_000543.5 (MANE Select); coding-DNA position 1804, C replaced by T.
Protein change: p.Arg602Cys; replaces arginine 602 with cysteine.
Molecular consequence: missense variant. On other transcripts: 3 prime UTR variant (1), non-coding transcript variant (2).
Genome position (GRCh38, 1-based): chr11:6,394,515, C>T. VCF-style: chr11-6394515-C-T. GRCh37 (hg19) VCF-style: chr11-6415745-C-T.
Other names: c.1801C>T, p.Arg601Cys (NM_001007593.3); c.*297C>T (NM_001318087.2); c.883C>T, p.Arg295Cys (NM_001318088.2); c.1672C>T, p.Arg558Cys (NM_001365135.2); short protein forms R558C, R601C, R602C, R295C.
Identifiers: ClinVar variation 878168 (VCV000878168.13), dbSNP rs763099671, ClinGen allele CA5852992.